The following is an entry in ClinVar:

ClinVar aggregate classification (germline): Uncertain significance (1 of 4 stars; one submission).

Conditions:
Cardiovascular phenotype. Identifiers: MedGen CN230736.

Submission:

Ambry Genetics
Classification: Uncertain significance for Cardiovascular phenotype. Last evaluated: 2025-10-25. Review status: criteria provided, single submitter. Criteria: Ambry Variant Classification Scheme 2023. Collection method: clinical testing. Allele origin: germline.
Comment: The p.P549A variant (also known as c.1645C>G), located in coding exon 9 of the LDB3 gene, results from a C to G substitution at nucleotide position 1645. The proline at codon 549 is replaced by alanine, an amino acid with highly similar properties. This amino acid position is conserved. In addition, this alteration is predicted to be tolerated by in silico analysis. Based on the available evidence, the clinical significance of this variant remains unclear.

NM_007078.3(LDB3):c.1645C>G (p.Pro549Ala)

Gene: LDB3 (LIM domain binding 3; plus strand). Cytogenetic location: 10q23.2.
Variant type: single nucleotide variant.
Coding change: c.1645C>G on transcript NM_007078.3 (MANE Select); coding-DNA position 1645, C replaced by G.
Protein change: p.Pro549Ala; replaces proline 549 with alanine.
Molecular consequence: missense variant.
Genome position (GRCh38, 1-based): chr10:86,716,740, C>G. VCF-style: chr10-86716740-C-G. GRCh37 (hg19) VCF-style: chr10-88476497-C-G.
Other names: c.1315C>G, p.Pro439Ala (NM_001080114.2); c.1660C>G, p.Pro554Ala (NM_001171610.2); c.1456C>G, p.Pro486Ala (NM_001368064.1, NM_001368065.1); c.1504C>G, p.Pro502Ala (NM_001368066.1); short protein forms P486A, P549A, P439A, P502A, P554A.
Identifiers: ClinVar variation 4614491 (VCV004614491.1).